The following is an entry in ClinVar:

ClinVar aggregate classification (germline): Uncertain significance (1 of 4 stars; one submission).

Conditions:
Hyperekplexia 3 (HKPX3). Also called: HYPEREKPLEXIA 3, AUTOSOMAL RECESSIVE; HYPEREKPLEXIA 3, AUTOSOMAL DOMINANT. Identifiers: Orphanet 3197, MedGen C3553288, MONDO:0013827, OMIM 614618.

Allele frequency attached by ClinVar (database versions not stated): gnomAD 0.00001; gnomAD exomes 0.00001; TOPMed 0.00001; ExAC 0.00002.
gnomAD v4.1: 7 of 1,613,610 alleles (0.00043%); highest among the groups gnomAD compares: Non-Finnish European, 0.00059%; no homozygotes.

Submission:

Labcorp Genetics (formerly Invitae), Labcorp
Classification: Uncertain significance for Hyperekplexia 3. Last evaluated: 2021-08-31. Review status: criteria provided, single submitter. Criteria: Invitae Variant Classification Sherloc (09022015). Collection method: clinical testing. Allele origin: germline.
Comment: This sequence change replaces tyrosine with cysteine at codon 219 of the SLC6A5 protein (p.Tyr219Cys). The tyrosine residue is highly conserved and there is a large physicochemical difference between tyrosine and cysteine. This variant is present in population databases (rs765804820, ExAC 0.003%). This variant has not been reported in the literature in individuals affected with SLC6A5-related conditions. Advanced modeling of protein sequence and biophysical properties (such as structural, functional, and spatial information, amino acid conservation, physicochemical variation, residue mobility, and thermodynamic stability) performed at Invitae indicates that this missense variant is expected to disrupt SLC6A5 protein function. In summary, the available evidence is currently insufficient to determine the role of this variant in disease. Therefore, it has been classified as a Variant of Uncertain Significance.

NM_004211.5(SLC6A5):c.656A>G (p.Tyr219Cys)

Gene: SLC6A5 (solute carrier family 6 member 5; plus strand). Cytogenetic location: 11p15.1.
Variant type: single nucleotide variant.
Coding change: c.656A>G on transcript NM_004211.5 (MANE Select); coding-DNA position 656, A replaced by G.
Protein change: p.Tyr219Cys; replaces tyrosine 219 with cysteine.
Molecular consequence: missense variant. On other transcripts: intron variant (1).
Genome position (GRCh38, 1-based): chr11:20,604,401, A>G. VCF-style: chr11-20604401-A-G. GRCh37 (hg19) VCF-style: chr11-20625947-A-G.
Other names: c.-23-2606A>G (NM_001318369.2); short protein forms Y219C.
Identifiers: ClinVar variation 1386575 (VCV001386575.5), dbSNP rs765804820, ClinGen allele CA5921149.